The following is an entry in ClinVar:

NM_020340.5(ARFGEF3):c.2111C>T (p.Ala704Val)

Gene: ARFGEF3 (ARFGEF family member 3; plus strand). Cytogenetic location: 6q23.3.
Variant type: single nucleotide variant.
Coding change: c.2111C>T on transcript NM_020340.5 (MANE Select); coding-DNA position 2111, C replaced by T.
Protein change: p.Ala704Val; replaces alanine 704 with valine.
Molecular consequence: missense variant.
Genome position (GRCh38, 1-based): chr6:138,263,594, C>T. VCF-style: chr6-138263594-C-T. GRCh37 (hg19) VCF-style: chr6-138584731-C-T.
Other names: short protein forms A704V.
Identifiers: ClinVar variation 776165 (VCV000776165.5), dbSNP rs61741354, ClinGen allele CA4020716.

ClinVar aggregate classification (germline): Benign. Review status: criteria provided, single submitter (1 of 4 stars). 2 submissions from 2 submitters: Benign (1). 1 of the submissions does not count toward it. Last evaluated 2018-07-23.

Conditions:
ARFGEF3-related disorder. Also called: ARFGEF3-related condition.

Allele frequency attached by ClinVar (database versions not stated): gnomAD exomes 0.00377; ExAC 0.00463; gnomAD 0.01465 and 0.01572; ESP Exome Variant Server 0.01517; TOPMed 0.01622; 1000 Genomes Project 0.01877; 1000 Genomes Project 30x 0.01983.
gnomAD v4.1: 4,315 of 1,600,690 alleles (0.27%); highest among the groups gnomAD compares: African/African-American, 5%; 114 homozygotes.

Submissions (2):

Labcorp Genetics (formerly Invitae), Labcorp
Classification: Benign. Last evaluated: 2018-07-23. Review status: criteria provided, single submitter. Criteria: Invitae Variant Classification Sherloc (09022015). Collection method: clinical testing. Allele origin: germline.

PreventionGenetics, part of Exact Sciences
Classification: Benign for ARFGEF3-related condition. Last evaluated: 2019-02-18. Review status: no assertion criteria provided. Collection method: clinical testing. Allele origin: germline. Not counted in ClinVar's aggregate classification.
Comment: This variant is classified as benign based on ACMG/AMP sequence variant interpretation guidelines (Richards et al. 2015 PMID: 25741868, with internal and published modifications).